The following is an entry in ClinVar:

NM_014797.3(ZBTB24):c.1204+4C>T

Gene: ZBTB24 (zinc finger and BTB domain containing 24; minus strand). Cytogenetic location: 6q21.
Variant type: single nucleotide variant.
Coding change: c.1204+4C>T on transcript NM_014797.3 (MANE Select); 4 bases into the intron after coding-DNA position 1204, C replaced by T.
Molecular consequence: intron variant.
Genome position (GRCh38, 1-based): chr6:109,476,171, G>A on the plus strand (C>T on the coding strand, the complement: ZBTB24 is on the minus strand). VCF-style: chr6-109476171-G-A. GRCh37 (hg19) VCF-style: chr6-109797374-G-A.
Identifiers: ClinVar variation 1400338 (VCV001400338.6), dbSNP rs369193786, ClinGen allele CA3954163.

ClinVar aggregate classification (germline): Uncertain significance. Review status: criteria provided, multiple submitters, no conflicts (2 of 4 stars). 2 submissions from 2 submitters: Uncertain significance (2). Last evaluated 2026-02-17.

Conditions:
Immunodeficiency-centromeric instability-facial anomalies syndrome 2 (ICF2). Identifiers: Orphanet 2268, MedGen C3279748, MONDO:0013553, OMIM 614069.

Allele frequency attached by ClinVar (database versions not stated): gnomAD exomes below 0.00001 and 0.00001; ExAC 0.00001; gnomAD 0.00003; ESP Exome Variant Server 0.00008; 1000 Genomes Project 0.00020; 1000 Genomes Project 30x 0.00031.
gnomAD v4.1: 14 of 1,613,238 alleles (0.00087%); highest among the groups gnomAD compares: African/African-American, 0.0067%; no homozygotes.

Submissions (2):

Women's Health and Genetics/Laboratory Corporation of America, LabCorp
Classification: Uncertain significance. Last evaluated: 2026-02-17. Review status: criteria provided, single submitter. Criteria: LabCorp Variant Classification Summary - May 2015. Collection method: clinical testing. Allele origin: germline.

Labcorp Genetics (formerly Invitae), Labcorp
Classification: Uncertain significance for Immunodeficiency-centromeric instability-facial anomalies syndrome 2. Last evaluated: 2022-08-19. Review status: criteria provided, single submitter. Criteria: Invitae Variant Classification Sherloc (09022015). Collection method: clinical testing. Allele origin: germline.
Comment: This sequence change falls in intron 4 of the ZBTB24 gene. It does not directly change the encoded amino acid sequence of the ZBTB24 protein. It affects a nucleotide within the consensus splice site. This variant is present in population databases (rs369193786, gnomAD 0.008%). This variant has not been reported in the literature in individuals affected with ZBTB24-related conditions. ClinVar contains an entry for this variant (Variation ID: 1400338). Variants that disrupt the consensus splice site are a relatively common cause of aberrant splicing (PMID: 17576681, 9536098). Algorithms developed to predict the effect of sequence changes on RNA splicing suggest that this variant is not likely to affect RNA splicing. In summary, the available evidence is currently insufficient to determine the role of this variant in disease. Therefore, it has been classified as a Variant of Uncertain Significance.

Literature cited by the submitters: PubMed 17576681 (cited by Labcorp Genetics (formerly Invitae), Labcorp); PubMed 9536098 (cited by Labcorp Genetics (formerly Invitae), Labcorp).